The following is an entry in ClinVar:

ClinVar aggregate classification (germline): Uncertain significance. Review status: criteria provided, multiple submitters, no conflicts (2 of 4 stars). 2 submissions from 2 submitters: Uncertain significance (2). Last evaluated 2025-10-08.

Conditions:
Inborn genetic diseases. Identifiers: MedGen C0950123, MeSH D030342.

Allele frequency attached by ClinVar (database versions not stated): gnomAD 0.00001; ExAC 0.00002; gnomAD exomes below 0.00001; TOPMed 0.00002.
gnomAD v4.1: 10 of 1,613,982 alleles (0.00062%); highest among the groups gnomAD compares: African/African-American, 0.0013%; no homozygotes.

Submissions (2):

Labcorp Genetics (formerly Invitae), Labcorp
Classification: Uncertain significance. Last evaluated: 2025-10-08. Review status: criteria provided, single submitter. Criteria: Invitae Variant Classification Sherloc (09022015). Collection method: clinical testing. Allele origin: germline.
Comment: This sequence change replaces threonine, which is neutral and polar, with methionine, which is neutral and non-polar, at codon 726 of the LRP6 protein (p.Thr726Met). This variant is present in population databases (rs759665468, gnomAD 0.002%). This variant has not been reported in the literature in individuals affected with LRP6-related conditions. ClinVar contains an entry for this variant (Variation ID: 1956768). Invitae Evidence Modeling of protein sequence and biophysical properties (such as structural, functional, and spatial information, amino acid conservation, physicochemical variation, residue mobility, and thermodynamic stability) indicates that this missense variant is not expected to disrupt LRP6 protein function with a negative predictive value of 80%. In summary, the available evidence is currently insufficient to determine the role of this variant in disease. Therefore, it has been classified as a Variant of Uncertain Significance.

Ambry Genetics
Classification: Uncertain significance for Inborn genetic diseases. Last evaluated: 2025-04-13. Review status: criteria provided, single submitter. Criteria: Ambry Variant Classification Scheme 2023. Collection method: clinical testing. Allele origin: germline.

NM_002336.3(LRP6):c.2177C>T (p.Thr726Met)

Gene: LRP6 (LDL receptor related protein 6; minus strand). Cytogenetic location: 12p13.2.
Variant type: single nucleotide variant.
Coding change: c.2177C>T on transcript NM_002336.3 (MANE Select); coding-DNA position 2177, C replaced by T.
Protein change: p.Thr726Met; replaces threonine 726 with methionine.
Molecular consequence: missense variant.
Genome position (GRCh38, 1-based): chr12:12,162,295, G>A on the plus strand (C>T on the coding strand, the complement: LRP6 is on the minus strand). VCF-style: chr12-12162295-G-A. GRCh37 (hg19) VCF-style: chr12-12315229-G-A.
Other names: c.2177C>T, p.Thr726Met (NM_001414244.1, NM_001414245.1, NM_001414246.1 and 4 more transcripts); c.1979C>T, p.Thr660Met (NM_001414247.1); c.1724C>T, p.Thr575Met (NM_001414252.1, NM_001414253.1, NM_001414254.1); c.1670C>T, p.Thr557Met (NM_001414255.1); c.2177C>T (NM_002336.2); short protein forms T575M, T557M, T660M, T726M.
Identifiers: ClinVar variation 1956768 (VCV001956768.6), dbSNP rs759665468, ClinGen allele CA6455521.